The following is an entry in ClinVar:

ClinVar aggregate classification (germline): Uncertain significance (1 of 4 stars; one submission).

Allele frequency attached by ClinVar (database versions not stated): gnomAD 0.00001; ExAC 0.00001.
gnomAD v4.1: 3 of 1,613,970 alleles (0.00019%); highest among the groups gnomAD compares: Non-Finnish European, 0.00025%; no homozygotes.

Submission:

Ambry Genetics
Classification: Uncertain significance. Last evaluated: 2025-10-27. Review status: criteria provided, single submitter. Criteria: Ambry Variant Classification Scheme 2023. Collection method: clinical testing. Allele origin: germline.
Comment: The p.S1381N variant (also known as c.4142G>A), located in coding exon 37 of the KIF1B gene, results from a G to A substitution at nucleotide position 4142. The serine at codon 1381 is replaced by asparagine, an amino acid with highly similar properties. This amino acid position is highly conserved in available vertebrate species. In addition, this alteration is predicted to be tolerated by in silico analysis. The evidence for this gene-disease relationship is limited; therefore, the clinical significance of this alteration is unclear.

NM_001365951.3(KIF1B):c.4280G>A (p.Ser1427Asn)

Gene: KIF1B (kinesin family member 1B; plus strand). Cytogenetic location: 1p36.22.
Variant type: single nucleotide variant.
Coding change: c.4280G>A on transcript NM_001365951.3 (MANE Select); coding-DNA position 4280, G replaced by A.
Protein change: p.Ser1427Asn; replaces serine 1427 with asparagine.
Molecular consequence: missense variant.
Genome position (GRCh38, 1-based): chr1:10,361,801, G>A. VCF-style: chr1-10361801-G-A. GRCh37 (hg19) VCF-style: chr1-10421859-G-A.
Other names: c.4280G>A, p.Ser1427Asn (NM_001365952.1); c.4142G>A, p.Ser1381Asn (NM_015074.3); short protein forms S1427N, S1381N.
Identifiers: ClinVar variation 1738177 (VCV001738177.4), dbSNP rs755113137, ClinGen allele CA582024.